The following is an entry in ClinVar:

NM_025103.4(IFT74):c.905T>C (p.Met302Thr)

Gene: IFT74 (intraflagellar transport 74; plus strand). Cytogenetic location: 9p21.2.
Variant type: single nucleotide variant.
Coding change: c.905T>C on transcript NM_025103.4 (MANE Select); coding-DNA position 905, T replaced by C.
Protein change: p.Met302Thr; replaces methionine 302 with threonine.
Molecular consequence: missense variant.
Genome position (GRCh38, 1-based): chr9:27,017,022, T>C. VCF-style: chr9-27017022-T-C. GRCh37 (hg19) VCF-style: chr9-27017020-T-C.
Other names: c.905T>C (NM_025103.2, NM_001099222.1); c.905T>C, p.Met302Thr (NM_001099222.3, NM_001099223.3, NM_001099224.3 and 1 more transcripts); short protein forms M302T.
Identifiers: ClinVar variation 2417895 (VCV002417895.5), dbSNP rs201372334, ClinGen allele CA5015430.
Genomic context (GRCh38, chr9:27,017,022, plus strand): 5'-ATGAGTTGGAGTCCCATCGAGATCAAATGATTGCAGAAGACAAAAGCATAGGATCTCCAA[T>C]GGAAGAGAGAGAGAAATTACTTAAGCAGGTGGGCAAAACAAACATACTTATTTTAAGATG-3'
Protein context (NP_079379.2, residues 292-312): IAEDKSIGSP[Met302Thr]EEREKLLKQI

ClinVar aggregate classification (germline): Uncertain significance. Review status: criteria provided, multiple submitters, no conflicts (2 of 4 stars). 3 submissions from 3 submitters: Uncertain significance (3). Last evaluated 2025-08-27.

Conditions:
IFT74-related disorder. Also called: IFT74-related condition; IFT74-Related Disorders.
Inborn genetic diseases. Identifiers: MedGen C0950123, MeSH D030342.

Allele frequency attached by ClinVar (database versions not stated): gnomAD 0.00003; TOPMed 0.00004; ExAC 0.00005; ESP Exome Variant Server 0.00008.
gnomAD v4.1: 38 of 1,606,096 alleles (0.0024%); highest among the groups gnomAD compares: Middle Eastern, 0.033%; no homozygotes.

Submissions (3):

Ambry Genetics
Classification: Uncertain significance for Inborn genetic diseases. Last evaluated: 2025-08-27. Review status: criteria provided, single submitter. Criteria: Ambry Variant Classification Scheme 2023. Collection method: clinical testing. Allele origin: germline.

PreventionGenetics, part of Exact Sciences
Classification: Uncertain significance for IFT74-related condition. Last evaluated: 2025-06-09. Review status: criteria provided, single submitter. Criteria: ACMG Guidelines, 2015. Collection method: clinical testing. Allele origin: germline.
Comment: The IFT74 c.905T>C variant is predicted to result in the amino acid substitution p.Met302Thr. To our knowledge, this variant has not been reported in the literature. This variant is reported in 0.0055% of alleles in individuals of European (Non-Finnish) descent in gnomAD. At this time, the clinical significance of this variant is uncertain due to the absence of conclusive functional and genetic evidence.

Labcorp Genetics (formerly Invitae), Labcorp
Classification: Uncertain significance. Last evaluated: 2022-07-03. Review status: criteria provided, single submitter. Criteria: Invitae Variant Classification Sherloc (09022015). Collection method: clinical testing. Allele origin: germline.
Comment: This sequence change replaces methionine, which is neutral and non-polar, with threonine, which is neutral and polar, at codon 302 of the IFT74 protein (p.Met302Thr). This variant is present in population databases (rs201372334, gnomAD 0.006%). This variant has not been reported in the literature in individuals affected with IFT74-related conditions. Algorithms developed to predict the effect of missense changes on protein structure and function (SIFT, PolyPhen-2, Align-GVGD) all suggest that this variant is likely to be tolerated. In summary, the available evidence is currently insufficient to determine the role of this variant in disease. Therefore, it has been classified as a Variant of Uncertain Significance.